The following is an entry in ClinVar:

ClinVar aggregate classification (germline): Conflicting classifications of pathogenicity. Review status: criteria provided, conflicting classifications (1 of 4 stars). 2 submissions from 2 submitters: Uncertain significance (1); Likely benign (1). Last evaluated 2025-09-08.

Conditions:
Hypokalemic periodic paralysis, type 1. Also called: Hypokalemic Periodic Paralysis Type 1 (AD); HypoPP. Identifiers: Orphanet 681, MedGen C3714580, MONDO:0042979, OMIM 170400.
Malignant hyperthermia, susceptibility to, 5 (MHS5). Also called: CACNA1S-Related Malignant Hyperthermia Susceptibility. Identifiers: Orphanet 423, MedGen C1866077, MONDO:0011163, OMIM 601887.

Allele frequency attached by ClinVar (database versions not stated): gnomAD exomes below 0.00001; ExAC 0.00001; gnomAD 0.00001.
gnomAD v4.1: 3 of 1,613,806 alleles (0.00019%); highest among the groups gnomAD compares: Admixed American, 0.0017%; no homozygotes.

Submissions (2):

Labcorp Genetics (formerly Invitae), Labcorp
Classification: Likely benign for Hypokalemic periodic paralysis, type 1; Malignant hyperthermia, susceptibility to, 5. Last evaluated: 2025-09-08. Review status: criteria provided, single submitter. Criteria: Invitae Variant Classification Sherloc (09022015). Collection method: clinical testing. Allele origin: germline.

All of Us Research Program, National Institutes of Health
Classification: Uncertain significance for Malignant hyperthermia, susceptibility to, 5. Last evaluated: 2023-07-07. Review status: criteria provided, single submitter. Criteria: ACMG Guidelines, 2015. Collection method: clinical testing. Allele origin: germline. Inheritance: Autosomal dominant inheritance. Observed: 1 variant allele, 1 heterozygote.
Comment: This study involves interpretation of variants in research participants for the purpose of population health screening. Participant phenotype was not available at the time of variant classification. Additional details can be found in publication PMID: 35346344, PMCID: PMC8962531

NM_000069.3(CACNA1S):c.3678G>C (p.Glu1226Asp)

Gene: CACNA1S (calcium voltage-gated channel subunit alpha1 S; minus strand). Cytogenetic location: 1q32.1.
Variant type: single nucleotide variant.
Coding change: c.3678G>C on transcript NM_000069.3 (MANE Select); coding-DNA position 3678, G replaced by C.
Protein change: p.Glu1226Asp; replaces glutamic acid 1226 with aspartic acid.
Molecular consequence: missense variant.
Genome position (GRCh38, 1-based): chr1:201,053,576, C>G on the plus strand (G>C on the coding strand, the complement: CACNA1S is on the minus strand). VCF-style: chr1-201053576-C-G. GRCh37 (hg19) VCF-style: chr1-201022704-C-G.
Other names: short protein forms E1226D.
Identifiers: ClinVar variation 1417892 (VCV001417892.9), dbSNP rs769524894, ClinGen allele CA082743.